The following is an entry in ClinVar:

ClinVar aggregate classification (germline): Pathogenic (1 of 4 stars; one submission).

Conditions:
Hereditary spastic paraplegia 49 (HSAN9). Also called: TECPR2-Related Hereditary Sensory and Autonomic Neuropathy with Intellectual Disability; Spastic paraplegia 49, autosomal recessive; NEUROPATHY, HEREDITARY SENSORY AND AUTONOMIC, TYPE IX, WITH DEVELOPMENTAL DELAY. Identifiers: Orphanet 320385, MedGen C5190860, MONDO:0014016, OMIM 615031.

gnomAD v4.1: 1 of 1,612,776 alleles (0.000062%); highest among the groups gnomAD compares: Non-Finnish European, 0.000085%; no homozygotes.

Submission:

Victorian Clinical Genetics Services, Murdoch Childrens Research Institute
Classification: Pathogenic for Hereditary spastic paraplegia 49. Last evaluated: 2025-11-06. Review status: criteria provided, single submitter. Criteria: ACMG Guidelines, 2015. Collection method: clinical testing. Allele origin: germline. Affected: yes.
Comment: This variant is classified as Pathogenic. Evidence in support of pathogenic classification: Variant is present in gnomAD (v4) <0.01 for a recessive condition (1 heterozygote, 0 homozygotes); This variant has moderate functional evidence supporting abnormal protein function. Proteomic analysis on compound heterozygous patient cells reveals complete absence of TECPR2 protein; however, the possibility that absence of TECPR2 may be due to the impact of a single variant cannot be excluded (MitoMDT Consortium, Victoria, Australia); Missense variant predicted to be damaging by in silico tool(s) or highly conserved with a major amino acid change. Additional information: Variant is predicted to result in a missense amino acid change from alanine to glutamic acid; This variant is heterozygous; This gene is associated with autosomal recessive disease; Multiple alternative amino acid changes at the same position have been observed in gnomAD (v4) (highest allele count: 4 heterozygotes, 0 homozygotes); This variant has no previous evidence of pathogenicity; No published segregation evidence has been identified for this variant; No comparable missense variants have previous evidence for pathogenicity; Variant is located in the annotated propeller repeat domain (DECIPHER); Loss of function is a known mechanism of disease in this gene and is associated with neuropathy, hereditary sensory and autonomic, type IX, with developmental delay (MIM#615031).

NM_014844.5(TECPR2):c.2846C>A (p.Ala949Glu)

Gene: TECPR2 (tectonin beta-propeller repeat containing 2; plus strand). Cytogenetic location: 14q32.31.
Variant type: single nucleotide variant.
Coding change: c.2846C>A on transcript NM_014844.5 (MANE Select); coding-DNA position 2846, C replaced by A.
Protein change: p.Ala949Glu; replaces alanine 949 with glutamic acid.
Molecular consequence: missense variant.
Genome position (GRCh38, 1-based): chr14:102,443,740, C>A. VCF-style: chr14-102443740-C-A. GRCh37 (hg19) VCF-style: chr14-102910077-C-A.
Other names: c.2846C>A, p.Ala949Glu (NM_001172631.3); short protein forms A949E.
Identifiers: ClinVar variation 3376690 (VCV003376690.2).